The following is an entry in ClinVar:

NM_000138.5(FBN1):c.6565G>C (p.Glu2189Gln)

Gene: FBN1 (fibrillin 1; minus strand). Cytogenetic location: 15q21.1.
Variant type: single nucleotide variant.
Coding change: c.6565G>C on transcript NM_000138.5 (MANE Select); coding-DNA position 6565, G replaced by C.
Protein change: p.Glu2189Gln; replaces glutamic acid 2189 with glutamine.
Molecular consequence: missense variant.
Genome position (GRCh38, 1-based): chr15:48,434,645, C>G on the plus strand (G>C on the coding strand, the complement: FBN1 is on the minus strand). VCF-style: chr15-48434645-C-G. GRCh37 (hg19) VCF-style: chr15-48726842-C-G.
Other names: short protein forms E2189Q.
Identifiers: ClinVar variation 628701 (VCV000628701.7), dbSNP rs1566895264, ClinGen allele CA392334931.

ClinVar aggregate classification (germline): Uncertain significance. Review status: criteria provided, multiple submitters, no conflicts (2 of 4 stars). 2 submissions from 2 submitters: Uncertain significance (2). Last evaluated 2023-12-04.

Conditions:
Familial thoracic aortic aneurysm and aortic dissection (TAAD). Also called: Thoracic aortic aneurysms and dissections. Identifiers: Orphanet 91387, MedGen C4707243, MONDO:0019625.

Allele frequency attached by ClinVar (database versions not stated): gnomAD exomes below 0.00001.
gnomAD v4.1: 1 of 1,613,842 alleles (0.000062%); highest among the groups gnomAD compares: Non-Finnish European, 0.000085%; no homozygotes.

Submissions (2):

Color Diagnostics, LLC DBA Color Health
Classification: Uncertain significance for Familial thoracic aortic aneurysm and aortic dissection. Last evaluated: 2023-12-04. Review status: criteria provided, single submitter. Criteria: ACMG Guidelines, 2015. Collection method: clinical testing. Allele origin: germline.
Comment: This missense variant replaces glutamic acid with glutamine at codon 2189 of the FBN1 protein. Computational prediction tools and conservation analyses are inconclusive regarding the impact of this variant on the protein function. Computational splicing tools suggest that this variant may not impact RNA splicing. To our knowledge, functional assays have not been performed for this variant nor has this variant been reported in individuals affected with cardiovascular disorders in the literature. This variant has not been identified in the general population by the Genome Aggregation Database (gnomAD). Available evidence is insufficient to determine the role of this variant in disease conclusively. Therefore, this variant is classified as a Variant of Uncertain Significance.

Blueprint Genetics
Classification: Uncertain significance. Last evaluated: 2019-05-15. Review status: criteria provided, single submitter. Criteria: ACMG Guidelines, 2015. Collection method: clinical testing. Allele origin: germline.